The following is an entry in ClinVar:

NM_024675.4(PALB2):c.1501A>G (p.Arg501Gly)

Gene: PALB2 (partner and localizer of BRCA2; minus strand). Cytogenetic location: 16p12.2.
Variant type: single nucleotide variant.
Coding change: c.1501A>G on transcript NM_024675.4 (MANE Select); coding-DNA position 1501, A replaced by G.
Protein change: p.Arg501Gly; replaces arginine 501 with glycine.
Molecular consequence: missense variant.
Genome position (GRCh38, 1-based): chr16:23,635,045, T>C on the plus strand (A>G on the coding strand, the complement: PALB2 is on the minus strand). VCF-style: chr16-23635045-T-C. GRCh37 (hg19) VCF-style: chr16-23646366-T-C.
Other names: short protein forms R501G.
Identifiers: ClinVar variation 845816 (VCV000845816.12), dbSNP rs1966961551, ClinGen allele CA395131052.

ClinVar aggregate classification (germline): Uncertain significance. Review status: criteria provided, multiple submitters, no conflicts (2 of 4 stars). 2 submissions from 2 submitters: Uncertain significance (2). Last evaluated 2026-01-08.

Conditions:
Hereditary cancer-predisposing syndrome. Also called: Tumor predisposition; Hereditary neoplastic syndrome; Neoplastic Syndromes, Hereditary; Hereditary Cancer Syndrome. Identifiers: Orphanet 140162, MedGen C0027672, MeSH D009386, MONDO:0015356.
Familial cancer of breast. Also called: hereditary breast carcinoma; Hereditary breast cancer; BREAST CANCER, FAMILIAL. Identifiers: Orphanet 227535, MedGen C0346153, MONDO:0016419, OMIM 114480. Disease mechanism: loss of function.

Submissions (2):

Labcorp Genetics (formerly Invitae), Labcorp
Classification: Uncertain significance for Familial cancer of breast. Last evaluated: 2026-01-08. Review status: criteria provided, single submitter. Criteria: Invitae Variant Classification Sherloc (09022015). Collection method: clinical testing. Allele origin: germline.
Comment: This sequence change replaces arginine, which is basic and polar, with glycine, which is neutral and non-polar, at codon 501 of the PALB2 protein (p.Arg501Gly). This variant is not present in population databases (gnomAD no frequency). This variant has not been reported in the literature in individuals affected with PALB2-related conditions. ClinVar contains an entry for this variant (Variation ID: 845816). Invitae Evidence Modeling of protein sequence and biophysical properties (such as structural, functional, and spatial information, amino acid conservation, physicochemical variation, residue mobility, and thermodynamic stability) indicates that this missense variant is not expected to disrupt PALB2 protein function with a negative predictive value of 80%. In summary, the available evidence is currently insufficient to determine the role of this variant in disease. Therefore, it has been classified as a Variant of Uncertain Significance.

Ambry Genetics
Classification: Uncertain significance for Hereditary cancer-predisposing syndrome. Last evaluated: 2023-08-16. Review status: criteria provided, single submitter. Criteria: Ambry Variant Classification Scheme 2023. Collection method: clinical testing. Allele origin: germline.
Comment: The p.R501G variant (also known as c.1501A>G), located in coding exon 4 of the PALB2 gene, results from an A to G substitution at nucleotide position 1501. The arginine at codon 501 is replaced by glycine, an amino acid with dissimilar properties. This amino acid position is not well conserved in available vertebrate species. In addition, this alteration is predicted to be tolerated by in silico analysis. Since supporting evidence is limited at this time, the clinical significance of this alteration remains unclear.